The following is an entry in ClinVar:

ClinVar aggregate classification (germline): Uncertain significance. Review status: criteria provided, multiple submitters, no conflicts (2 of 4 stars). 2 submissions from 2 submitters: Uncertain significance (2). Last evaluated 2025-03-25.

Conditions:
Heterotaxy, visceral, 4, autosomal (HTX4). Identifiers: Orphanet 450, MedGen C3151057, MONDO:0013403, OMIM 613751.

Allele frequency attached by ClinVar (database versions not stated): ESP Exome Variant Server 0.00008.
gnomAD v4.1: 68 of 1,613,956 alleles (0.0042%); highest among the groups gnomAD compares: African/African-American, 0.0053%; no homozygotes.

Submissions (2):

Ambry Genetics
Classification: Uncertain significance. Last evaluated: 2025-03-25. Review status: criteria provided, single submitter. Criteria: Ambry Variant Classification Scheme 2023. Collection method: clinical testing. Allele origin: germline.

Labcorp Genetics (formerly Invitae), Labcorp
Classification: Uncertain significance for Heterotaxy, visceral, 4, autosomal. Last evaluated: 2023-08-04. Review status: criteria provided, single submitter. Criteria: Invitae Variant Classification Sherloc (09022015). Collection method: clinical testing. Allele origin: germline.
Comment: This sequence change replaces arginine, which is basic and polar, with tryptophan, which is neutral and slightly polar, at codon 161 of the ACVR2B protein (p.Arg161Trp). In summary, the available evidence is currently insufficient to determine the role of this variant in disease. Therefore, it has been classified as a Variant of Uncertain Significance. Advanced modeling of protein sequence and biophysical properties (such as structural, functional, and spatial information, amino acid conservation, physicochemical variation, residue mobility, and thermodynamic stability) performed at Invitae indicates that this missense variant is expected to disrupt ACVR2B protein function. ClinVar contains an entry for this variant (Variation ID: 640427). This variant has not been reported in the literature in individuals affected with ACVR2B-related conditions. This variant is present in population databases (rs375094633, gnomAD 0.002%).

NM_001106.4(ACVR2B):c.481C>T (p.Arg161Trp)

Gene: ACVR2B (activin A receptor type 2B; plus strand). Cytogenetic location: 3p22.2.
Variant type: single nucleotide variant.
Coding change: c.481C>T on transcript NM_001106.4 (MANE Select); coding-DNA position 481, C replaced by T.
Protein change: p.Arg161Trp; replaces arginine 161 with tryptophan.
Molecular consequence: missense variant.
Genome position (GRCh38, 1-based): chr3:38,478,251, C>T. VCF-style: chr3-38478251-C-T. GRCh37 (hg19) VCF-style: chr3-38519742-C-T.
Other names: short protein forms R161W.
Identifiers: ClinVar variation 640427 (VCV000640427.6), dbSNP rs375094633, ClinGen allele CA2318817.